The following is an entry in ClinVar:

ClinVar aggregate classification (germline): Uncertain significance. Review status: criteria provided, multiple submitters, no conflicts (2 of 4 stars). 4 submissions from 4 submitters: Uncertain significance (4). Last evaluated 2025-11-02.

Conditions:
RYR1-related disorder. Also called: RYR1-related condition; RYR1-related disorders. Identifiers: MedGen CN239331.
Central core myopathy (CMYO1A). Also called: CONGENITAL MYOPATHY 1A, AUTOSOMAL DOMINANT, WITH SUSCEPTIBILITY TO MALIGNANT HYPERTHERMIA; Central core disease; Myopathy, central fibrillar. Identifiers: Orphanet 597, MedGen C5830701, MONDO:0007294, OMIM 117000.
Malignant hyperthermia, susceptibility to, 1 (MHS1). Also called: Malignant hyperthermia suceptibility 1; RYR1-Related Malignant Hyperthermia Susceptibility; Anesthesia related hyperthermia; Malignant hyperpyrexia; Fulminating hyperpyrexia; Pharmacogenic myopathy. Identifiers: Orphanet 423, MedGen C2930980, MONDO:0007783, OMIM 145600.
Congenital multicore myopathy with external ophthalmoplegia (CMYO1B). Also called: Congenital myopathy 1B, autosomal recessive; Minicore myopathy; MULTICORE MYOPATHY; Minicore myopathy with external ophthalmoplegia; MULTIMINICORE DISEASE WITH EXTERNAL OPHTHALMOPLEGIA. Identifiers: Orphanet 598, Orphanet 98905, MedGen C1850674, MONDO:0009712, OMIM 255320, HP:0003789.
Congenital myopathy with fiber type disproportion. Also called: Congenital fiber-type disproportion; Congenital fiber-type disproportion myopathy. Identifiers: Orphanet 2020, MedGen C0546264, MONDO:0009711. Inheritance: all.
King Denborough syndrome (KDS). Identifiers: MedGen C1840365, MONDO:0020485, OMIM 619542.
Inborn genetic diseases. Identifiers: MedGen C0950123, MeSH D030342.

Allele frequency attached by ClinVar (database versions not stated): TOPMed 0.00001; ExAC 0.00005; gnomAD exomes 0.00005; 1000 Genomes Project 0.00020; 1000 Genomes Project 30x 0.00031.
gnomAD v4.1: 42 of 1,601,980 alleles (0.0026%); highest among the groups gnomAD compares: South Asian, 0.014%; 1 homozygote.

Submissions (4):

Ambry Genetics
Classification: Uncertain significance for Inborn genetic diseases. Last evaluated: 2025-11-02. Review status: criteria provided, single submitter. Criteria: Ambry Variant Classification Scheme 2023. Collection method: clinical testing. Allele origin: germline.
Comment: The c.7153C>T (p.R2385C) alteration is located in exon 44 (coding exon 44) of the RYR1 gene. This alteration results from a C to T substitution at nucleotide position 7153, causing the arginine (R) at amino acid position 2385 to be replaced by a cysteine (C). Based on data from gnomAD, the T allele has an overall frequency of 0.005% (12/266468) total alleles studied. The highest observed frequency was 0.027% (8/30010) of South Asian alleles. Based on insufficient or conflicting evidence, the clinical significance of this alteration remains unclear.

Labcorp Genetics (formerly Invitae), Labcorp
Classification: Uncertain significance for RYR1-related disorder. Last evaluated: 2024-07-01. Review status: criteria provided, single submitter. Criteria: Invitae Variant Classification Sherloc (09022015). Collection method: clinical testing. Allele origin: germline.
Comment: This sequence change replaces arginine, which is basic and polar, with cysteine, which is neutral and slightly polar, at codon 2385 of the RYR1 protein (p.Arg2385Cys). This variant is present in population databases (rs202111332, gnomAD 0.03%), including at least one homozygous and/or hemizygous individual. This variant has not been reported in the literature in individuals affected with RYR1-related conditions. ClinVar contains an entry for this variant (Variation ID: 1368612). Advanced modeling of protein sequence and biophysical properties (such as structural, functional, and spatial information, amino acid conservation, physicochemical variation, residue mobility, and thermodynamic stability) has been performed at Invitae for this missense variant, however the output from this modeling did not meet the statistical confidence thresholds required to predict the impact of this variant on RYR1 protein function. In summary, the available evidence is currently insufficient to determine the role of this variant in disease. Therefore, it has been classified as a Variant of Uncertain Significance.

Revvity Omics, Revvity
Classification: Uncertain significance. Last evaluated: 2022-01-27. Review status: criteria provided, single submitter. Criteria: ACMG Guidelines, 2015. Collection method: clinical testing. Allele origin: germline.

Fulgent Genetics
Classification: Uncertain significance for Central core myopathy; Malignant hyperthermia, susceptibility to, 1; Congenital myopathy 4A, autosomal dominant; Congenital multicore myopathy with external ophthalmoplegia; King Denborough syndrome. Last evaluated: 2021-09-24. Review status: criteria provided, single submitter. Criteria: ACMG Guidelines, 2015. Collection method: clinical testing. Allele origin: unknown.

NM_000540.3(RYR1):c.7153C>T (p.Arg2385Cys)

Gene: RYR1 (ryanodine receptor 1; plus strand). Cytogenetic location: 19q13.2.
Variant type: single nucleotide variant.
Coding change: c.7153C>T on transcript NM_000540.3 (MANE Select); coding-DNA position 7153, C replaced by T.
Protein change: p.Arg2385Cys; replaces arginine 2385 with cysteine.
Molecular consequence: missense variant.
Genome position (GRCh38, 1-based): chr19:38,499,760, C>T. VCF-style: chr19-38499760-C-T. GRCh37 (hg19) VCF-style: chr19-38990400-C-T.
Other names: c.7153C>T, p.Arg2385Cys (NM_001042723.2); c.7153C>T (NM_000540.2); short protein forms R2385C.
Identifiers: ClinVar variation 1368612 (VCV001368612.10), dbSNP rs202111332, ClinGen allele CA069185.